The following is an entry in ClinVar:

ClinVar aggregate classification (germline): Conflicting classifications of pathogenicity. Review status: no assertion criteria provided (0 of 4 stars). 2 submissions from 2 submitters: Uncertain significance (1); Benign (1). Last evaluated 2023-01-01.

Conditions:
SCAPER-related disorder. Also called: SCAPER-related condition.
Retinal dystrophy. Also called: Inherited retinal dystrophy. Identifiers: Orphanet 71862, MedGen C0854723, MeSH D058499, MONDO:0019118, HP:0000556.

Allele frequency attached by ClinVar (database versions not stated): 1000 Genomes Project 0.00419; 1000 Genomes Project 30x 0.00437; gnomAD 0.01107; ExAC 0.01114; TOPMed 0.01130; ESP Exome Variant Server 0.01470; gnomAD exomes 0.01654.
gnomAD v4.1: 25,744 of 1,609,870 alleles (1.6%); highest among the groups gnomAD compares: Non-Finnish European, 1.9%; 279 homozygotes.

Submissions (14):

Institute of Human Genetics, Univ. Regensburg, Univ. Regensburg
Classification: Uncertain significance for Retinal dystrophy. Last evaluated: 2023-01-01. Review status: no assertion criteria provided. Criteria: ACMG Guidelines, 2015. Collection method: clinical testing. Allele origin: germline. Affected: yes.

PreventionGenetics, part of Exact Sciences
Classification: Benign for SCAPER-related condition. Last evaluated: 2019-02-21. Review status: no assertion criteria provided. Collection method: clinical testing. Allele origin: germline.
Comment: This variant is classified as benign based on ACMG/AMP sequence variant interpretation guidelines (Richards et al. 2015 PMID: 25741868, with internal and published modifications).

Dr. Peter K. Rogan Lab, Western University
No classification provided (evidence only). Condition: Lung cancer. Review status: no classification provided. Collection method: in vitro. Allele origin: not applicable. Functional consequence: retained intron. Not counted in ClinVar's aggregate classification.

Dr. Peter K. Rogan Lab, Western University
No classification provided (evidence only). Condition: Lung cancer. Review status: no classification provided. Collection method: in vitro. Allele origin: not applicable. Functional consequence: skipped exon. Not counted in ClinVar's aggregate classification.

Dr. Peter K. Rogan Lab, Western University
No classification provided (evidence only). Condition: Familial cancer of breast. Review status: no classification provided. Collection method: in vitro. Allele origin: not applicable. Functional consequence: retained intron. Not counted in ClinVar's aggregate classification.

Dr. Peter K. Rogan Lab, Western University
No classification provided (evidence only). Condition: Familial cancer of breast. Review status: no classification provided. Collection method: in vitro. Allele origin: not applicable. Functional consequence: skipped exon, retained intron. Not counted in ClinVar's aggregate classification.

Dr. Peter K. Rogan Lab, Western University
No classification provided (evidence only). Condition: Acute myeloid leukemia. Review status: no classification provided. Collection method: in vitro. Allele origin: not applicable. Functional consequence: retained intron. Not counted in ClinVar's aggregate classification.

Dr. Peter K. Rogan Lab, Western University
No classification provided (evidence only). Condition: Acute myeloid leukemia. Review status: no classification provided. Collection method: in vitro. Allele origin: not applicable. Functional consequence: retained intron. Not counted in ClinVar's aggregate classification.

Dr. Peter K. Rogan Lab, Western University
No classification provided (evidence only). Condition: Acute myeloid leukemia. Review status: no classification provided. Collection method: in vitro. Allele origin: not applicable. Functional consequence: retained intron. Not counted in ClinVar's aggregate classification.

Dr. Peter K. Rogan Lab, Western University
No classification provided (evidence only). Condition: Cervical cancer. Review status: no classification provided. Collection method: in vitro. Allele origin: not applicable. Functional consequence: retained intron. Not counted in ClinVar's aggregate classification.

Dr. Peter K. Rogan Lab, Western University
No classification provided (evidence only). Condition: Ovarian serous cystadenocarcinoma. Review status: no classification provided. Collection method: in vitro. Allele origin: not applicable. Functional consequence: retained intron. Not counted in ClinVar's aggregate classification.

Dr. Peter K. Rogan Lab, Western University
No classification provided (evidence only). Condition: Ovarian serous cystadenocarcinoma. Review status: no classification provided. Collection method: in vitro. Allele origin: not applicable. Functional consequence: retained intron. Not counted in ClinVar's aggregate classification.

Dr. Peter K. Rogan Lab, Western University
No classification provided (evidence only). Condition: Ovarian serous cystadenocarcinoma. Review status: no classification provided. Collection method: in vitro. Allele origin: not applicable. Functional consequence: retained intron. Not counted in ClinVar's aggregate classification.

Dr. Peter K. Rogan Lab, Western University
No classification provided (evidence only). Condition: Gastric cancer. Review status: no classification provided. Collection method: in vitro. Allele origin: not applicable. Functional consequence: retained intron. Not counted in ClinVar's aggregate classification.

NM_020843.4(SCAPER):c.1866+8A>G

Gene: SCAPER (S-phase cyclin A associated protein in the ER; minus strand). Cytogenetic location: 15q24.3.
Variant type: single nucleotide variant.
Coding change: c.1866+8A>G on transcript NM_020843.4 (MANE Select); 8 bases into the intron after coding-DNA position 1866, A replaced by G.
Molecular consequence: intron variant.
Genome position (GRCh38, 1-based): chr15:76,753,800, T>C on the plus strand (A>G on the coding strand, the complement: SCAPER is on the minus strand). VCF-style: chr15-76753800-T-C. GRCh37 (hg19) VCF-style: chr15-77046141-T-C.
Other names: NC_000015.9:g.77046141T>C; c.1482+8A>G (NM_001353011.2); c.1464+8A>G (NM_001353012.2, NM_001353010.2); c.1884+8A>G (NM_001353009.2); c.1128+8A>G (NM_001145923.2).
Identifiers: ClinVar variation 3038310 (VCV003038310.4), dbSNP rs139187840, ClinGen allele CA7674857.